The following is an entry in ClinVar:

NM_020949.3(SLC7A14):c.29C>T (p.Pro10Leu)

Genes: SLC7A14 (solute carrier family 7 member 14; minus strand), SLC7A14-AS1 (SLC7A14 antisense RNA 1; plus strand). Cytogenetic location: 3q26.2.
Variant type: single nucleotide variant.
Coding change: c.29C>T on transcript NM_020949.3 (MANE Select); coding-DNA position 29, C replaced by T.
Protein change: p.Pro10Leu; replaces proline 10 with leucine.
Molecular consequence: missense variant.
Genome position (GRCh38, 1-based): chr3:170,526,908, G>A on the plus strand (C>T on the coding strand, the complement: SLC7A14 is on the minus strand). VCF-style: chr3-170526908-G-A. GRCh37 (hg19) VCF-style: chr3-170244697-G-A.
Other names: short protein forms P10L.
Identifiers: ClinVar variation 1720484 (VCV001720484.5), dbSNP rs1713526272, ClinGen allele CA355520374.

ClinVar aggregate classification (germline): Uncertain significance (1 of 4 stars; one submission).

Allele frequency attached by ClinVar (database versions not stated): gnomAD exomes below 0.00001; TOPMed below 0.00001.
gnomAD v4.1: 1 of 1,613,688 alleles (0.000062%); highest among the groups gnomAD compares: South Asian, 0.0011%; no homozygotes.

Submission:

Labcorp Genetics (formerly Invitae), Labcorp
Classification: Uncertain significance. Last evaluated: 2022-09-27. Review status: criteria provided, single submitter. Criteria: Invitae Variant Classification Sherloc (09022015). Collection method: clinical testing. Allele origin: germline.
Comment: This sequence change replaces proline, which is neutral and non-polar, with leucine, which is neutral and non-polar, at codon 10 of the SLC7A14 protein (p.Pro10Leu). In summary, the available evidence is currently insufficient to determine the role of this variant in disease. Therefore, it has been classified as a Variant of Uncertain Significance. Algorithms developed to predict the effect of missense changes on protein structure and function (SIFT, PolyPhen-2, Align-GVGD) all suggest that this variant is likely to be tolerated. This variant has not been reported in the literature in individuals affected with SLC7A14-related conditions. This variant is not present in population databases (gnomAD no frequency).